The following is an entry in ClinVar:

NM_001211.6(BUB1B):c.1058+8_1058+9del

Gene: BUB1B (BUB1 mitotic checkpoint serine/threonine kinase B; plus strand). Cytogenetic location: 15q15.1.
Variant type: Microsatellite.
Coding change: c.1058+8_1058+9del on transcript NM_001211.6 (MANE Select); bases 8 to 9 of the intron after coding-DNA position 1058, 2 bases deleted (TG; older notation c.1058+8_1058+9delTG).
Molecular consequence: intron variant.
Genome position (GRCh38, 1-based): chr15:40,185,650-40,185,651, TG deleted; deleting any 2 consecutive bases within chr15:40,185,647-40,185,651 gives the same sequence; the c. name uses the placement nearest the transcript's 3' end. VCF-style (leftmost placement, unchanged base first): chr15-40185646-AGT-A. GRCh37 (hg19) VCF-style: chr15-40477847-AGT-A.
Other names: c.1058+8_1058+9delTG (NM_001211.5).
Identifiers: ClinVar variation 1152822 (VCV001152822.10), dbSNP rs1217693564, ClinGen allele CA712716314.

ClinVar aggregate classification (germline): Likely benign. Review status: criteria provided, multiple submitters, no conflicts (2 of 4 stars). 2 submissions from 2 submitters: Likely benign (2). Last evaluated 2026-07-30.

Conditions:
BUB1B-related disorder. Also called: BUB1B-related condition.
Mosaic variegated aneuploidy syndrome 1 (MVA1). Also called: Warburton-Anyane-Yeboa syndrome. Identifiers: Orphanet 1052, MedGen C1850343, MONDO:0009759, OMIM 257300.

Submissions (2):

PreventionGenetics, part of Exact Sciences
Classification: Likely benign for BUB1B-related condition. Last evaluated: 2026-07-30. Review status: criteria provided, single submitter. Criteria: ACMG Guidelines, 2015. Collection method: clinical testing. Allele origin: germline.
Comment: This variant is classified as likely benign based on ACMG/AMP sequence variant interpretation guidelines (Richards et al. 2015 PMID: 25741868, with internal and published modifications).

Labcorp Genetics (formerly Invitae), Labcorp
Classification: Likely benign for Mosaic variegated aneuploidy syndrome 1. Last evaluated: 2020-01-14. Review status: criteria provided, single submitter. Criteria: Invitae Variant Classification Sherloc (09022015). Collection method: clinical testing. Allele origin: germline.